The following is an entry in ClinVar:

NM_004168.4(SDHA):c.960C>A (p.Asn320Lys)

Gene: SDHA (succinate dehydrogenase complex flavoprotein subunit A; plus strand). Cytogenetic location: 5p15.33.
Variant type: single nucleotide variant.
Coding change: c.960C>A on transcript NM_004168.4 (MANE Select); coding-DNA position 960, C replaced by A.
Protein change: p.Asn320Lys; replaces asparagine 320 with lysine.
Molecular consequence: missense variant.
Genome position (GRCh38, 1-based): chr5:233,541, C>A. VCF-style: chr5-233541-C-A. GRCh37 (hg19) VCF-style: chr5-233656-C-A.
Other names: c.816C>A, p.Asn272Lys (NM_001294332.2); c.960C>A, p.Asn320Lys (NM_001330758.2); short protein forms N272K, N320K.
Identifiers: ClinVar variation 4161208 (VCV004161208.1).
Genomic context (GRCh38, chr5:233,541, plus strand): 5'-ATATGGTGCTGGTTGTCTCATTACGGAAGGATGTCGTGGAGAGGGAGGCATTCTCATTAA[C>A]AGTCAAGGCGAAAGGTTTATGGAGCGATACGCCCCTGTCGCGAAGGACCTGGCGTCTAGA-3'
Protein context (NP_004159.2, residues 310-330): GCRGEGGILI[Asn320Lys]SQGERFMERY

ClinVar aggregate classification (germline): Uncertain significance (1 of 4 stars; one submission).

Conditions:
Hereditary cancer-predisposing syndrome. Also called: Neoplastic Syndromes, Hereditary; Tumor predisposition; Hereditary Cancer Syndrome; Hereditary neoplastic syndrome. Identifiers: Orphanet 140162, MedGen C0027672, MeSH D009386, MONDO:0015356.

Submission:

Ambry Genetics
Classification: Uncertain significance for Hereditary cancer-predisposing syndrome. Last evaluated: 2025-09-12. Review status: criteria provided, single submitter. Criteria: Ambry Variant Classification Scheme 2023. Collection method: clinical testing. Allele origin: germline.
Comment: The p.N320K variant (also known as c.960C>A), located in coding exon 8 of the SDHA gene, results from a C to A substitution at nucleotide position 960. The asparagine at codon 320 is replaced by lysine, an amino acid with similar properties. This amino acid position is conserved. In addition, this alteration is predicted to be tolerated by in silico analysis. Based on the available evidence, the clinical significance of this variant remains unclear.